The following is an entry in ClinVar:

ClinVar aggregate classification (germline): Pathogenic (1 of 4 stars; one submission).

Conditions:
CHARGE syndrome (CHARGE). Also called: CHARGE ASSOCIATION--COLOBOMA, HEART ANOMALY, CHOANAL ATRESIA, RETARDATION, GENITAL AND EAR ANOMALIES; Coloboma, heart anomaly, choanal atresia, retardation, genital and ear anomalies; CHARGE association; Hall-Hittner syndrome; Hittner Hirsch Kreh syndrome. Identifiers: Orphanet 138, MedGen C0265354, MONDO:0008965.

Submission:

Labcorp Genetics (formerly Invitae), Labcorp
Classification: Pathogenic for CHARGE syndrome. Last evaluated: 2020-12-13. Review status: criteria provided, single submitter. Criteria: Invitae Variant Classification Sherloc (09022015). Collection method: clinical testing. Allele origin: germline.
Comment: For these reasons, this variant has been classified as Pathogenic. While this particular variant has not been reported in the literature, truncating variants in CHD7 are known to be pathogenic (PMID: 16400610, 22461308). This sequence change creates a premature translational stop signal at codon 2438 (p.Gln2438*) of the CHD7 gene. It is expected to result in an absent or disrupted protein product.

Literature cited by the submitters: PubMed 16400610; PubMed 22461308.

NM_017780.4(CHD7):c.7312C>T (p.Gln2438Ter)

Gene: CHD7 (chromodomain helicase DNA binding protein 7; plus strand). Cytogenetic location: 8q12.2.
Variant type: single nucleotide variant.
Coding change: c.7312C>T on transcript NM_017780.4 (MANE Select); coding-DNA position 7312, C replaced by T.
Protein change: p.Gln2438Ter; replaces glutamine 2438 with a stop codon.
Molecular consequence: nonsense. On other transcripts: intron variant (1).
Genome position (GRCh38, 1-based): chr8:60,856,592, C>T. VCF-style: chr8-60856592-C-T. GRCh37 (hg19) VCF-style: chr8-61769151-C-T.
Other names: c.1717-5637C>T (NM_001316690.1); short protein forms Q2438*.
Identifiers: ClinVar variation 411190 (VCV000411190.6), dbSNP rs1060503188, ClinGen allele CA16612523.